The following is an entry in ClinVar:

NM_002519.3(NPAT):c.1450G>A (p.Gly484Arg)

Gene: NPAT (nuclear protein, coactivator of histone transcription; minus strand). Cytogenetic location: 11q22.3.
Variant type: single nucleotide variant.
Coding change: c.1450G>A on transcript NM_002519.3 (MANE Select); coding-DNA position 1450, G replaced by A.
Protein change: p.Gly484Arg; replaces glycine 484 with arginine.
Molecular consequence: missense variant.
Genome position (GRCh38, 1-based): chr11:108,173,534, C>T on the plus strand (G>A on the coding strand, the complement: NPAT is on the minus strand). VCF-style: chr11-108173534-C-T. GRCh37 (hg19) VCF-style: chr11-108044261-C-T.
Other names: c.1450G>A, p.Gly484Arg (NM_001321307.1); short protein forms G484R.
Identifiers: ClinVar variation 1772949 (VCV001772949.9), dbSNP rs751679348, ClinGen allele CA6263994.

ClinVar aggregate classification (germline): Uncertain significance. Review status: criteria provided, multiple submitters, no conflicts (2 of 4 stars). 2 submissions from 2 submitters: Uncertain significance (2). Last evaluated 2025-10-21.

Allele frequency attached by ClinVar (database versions not stated): TOPMed below 0.00001; ExAC 0.00001; gnomAD 0.00001.
gnomAD v4.1: 3 of 1,614,038 alleles (0.00019%); highest among the groups gnomAD compares: Non-Finnish European, 0.00017%; no homozygotes.

Submissions (2):

Ambry Genetics
Classification: Uncertain significance. Last evaluated: 2025-10-21. Review status: criteria provided, single submitter. Criteria: Ambry Variant Classification Scheme 2023. Collection method: clinical testing. Allele origin: germline.

Labcorp Genetics (formerly Invitae), Labcorp
Classification: Uncertain significance. Last evaluated: 2025-10-06. Review status: criteria provided, single submitter. Criteria: Invitae Variant Classification Sherloc (09022015). Collection method: clinical testing. Allele origin: germline.
Comment: This sequence change replaces glycine, which is neutral and non-polar, with arginine, which is basic and polar, at codon 484 of the NPAT protein (p.Gly484Arg). This variant is present in population databases (rs751679348, gnomAD 0.006%). This variant has not been reported in the literature in individuals affected with NPAT-related conditions. ClinVar contains an entry for this variant (Variation ID: 1772949). An algorithm developed to predict the effect of missense changes on protein structure and function (PolyPhen-2) suggests that this variant is likely to be tolerated. In summary, the available evidence is currently insufficient to determine the role of this variant in disease. Therefore, it has been classified as a Variant of Uncertain Significance.